The following is an entry in ClinVar:

ClinVar aggregate classification (germline): Uncertain significance. Review status: criteria provided, multiple submitters, no conflicts (2 of 4 stars). 2 submissions from 2 submitters: Uncertain significance (2). Last evaluated 2024-05-03.

Conditions:
Hyper-IgM syndrome type 5 (HIGM5). Also called: Hyper-IgM Immunodeficiency Syndrome, Type 5. Identifiers: Orphanet 101092, MedGen C1720958, MONDO:0011971, OMIM 608106.

Submissions (2):

Blueprint Genetics
Classification: Uncertain significance. Last evaluated: 2024-05-03. Review status: criteria provided, single submitter. Criteria: ACMG Guidelines, 2015. Collection method: clinical testing. Allele origin: germline.

Labcorp Genetics (formerly Invitae), Labcorp
Classification: Uncertain significance for Hyper-IgM syndrome type 5. Last evaluated: 2020-03-31. Review status: criteria provided, single submitter. Criteria: Invitae Variant Classification Sherloc (09022015). Collection method: clinical testing. Allele origin: germline.
Comment: In summary, the available evidence is currently insufficient to determine the role of this variant in disease. Therefore, it has been classified as a Variant of Uncertain Significance. This sequence change replaces glutamine with glutamic acid at codon 170 of the UNG protein (p.Gln170Glu). The glutamine residue is moderately conserved and there is a small physicochemical difference between glutamine and glutamic acid. This variant is not present in population databases (ExAC no frequency). This variant has not been reported in the literature in individuals with UNG-related conditions. Algorithms developed to predict the effect of missense changes on protein structure and function (SIFT, PolyPhen-2, Align-GVGD) all suggest that this variant is likely to be tolerated, but these predictions have not been confirmed by published functional studies and their clinical significance is uncertain.

NM_080911.3(UNG):c.508C>G (p.Gln170Glu)

Gene: UNG (uracil DNA glycosylase; plus strand). Cytogenetic location: 12q24.11.
Variant type: single nucleotide variant.
Coding change: c.508C>G on transcript NM_080911.3 (MANE Select); coding-DNA position 508, C replaced by G.
Protein change: p.Gln170Glu; replaces glutamine 170 with glutamic acid.
Molecular consequence: missense variant.
Genome position (GRCh38, 1-based): chr12:109,101,974, C>G. VCF-style: chr12-109101974-C-G. GRCh37 (hg19) VCF-style: chr12-109539779-C-G.
Other names: c.481C>G, p.Gln161Glu (NM_003362.4); short protein forms Q161E, Q170E.
Identifiers: ClinVar variation 1003606 (VCV001003606.9), dbSNP rs2042181539, ClinGen allele CA386471748.
Genomic context (GRCh38, chr12:109,101,974, plus strand): 5'-ATCCTGGGACAGGATCCATATCATGGACCTAATCAAGCTCACGGGCTCTGCTTTAGTGTT[C>G]AAAGGCCTGTTCCGCCTCCGCCCAGGTACAGTTGCTTTACAGGTGACTGCAGTCCAGACA-3'
Protein context (NP_550433.1, residues 160-180): NQAHGLCFSV[Gln170Glu]RPVPPPPSLE